The following is an entry in ClinVar:

NM_133433.4(NIPBL):c.7244A>G (p.Asn2415Ser)

Gene: NIPBL (NIPBL cohesin loading factor; plus strand). Cytogenetic location: 5p13.2.
Variant type: single nucleotide variant.
Coding change: c.7244A>G on transcript NM_133433.4 (MANE Select); coding-DNA position 7244, A replaced by G.
Protein change: p.Asn2415Ser; replaces asparagine 2415 with serine.
Molecular consequence: missense variant.
Genome position (GRCh38, 1-based): chr5:37,052,547, A>G. VCF-style: chr5-37052547-A-G. GRCh37 (hg19) VCF-style: chr5-37052649-A-G.
Other names: c.7244A>G, p.Asn2415Ser (NM_015384.5); short protein forms N2415S.
Identifiers: ClinVar variation 2901649 (VCV002901649.4), dbSNP rs766934075, ClinGen allele CA3237157.

ClinVar aggregate classification (germline): Uncertain significance. Review status: criteria provided, multiple submitters, no conflicts (2 of 4 stars). 2 submissions from 2 submitters: Uncertain significance (2). Last evaluated 2024-03-07.

Conditions:
Cornelia de Lange syndrome 1 (CDLS1). Also called: TYPUS DEGENERATIVUS AMSTELODAMENSIS; Brachmann de Lange syndrome; NIPBL-Related Cornelia de Lange Syndrome. Identifiers: Orphanet 199, MedGen C4551851, MONDO:0007387, OMIM 122470.

Allele frequency attached by ClinVar (database versions not stated): gnomAD exomes 0.00001; TOPMed 0.00001; ExAC 0.00002.
gnomAD v4.1: 16 of 1,613,972 alleles (0.00099%); highest among the groups gnomAD compares: South Asian, 0.0022%; no homozygotes.

Submissions (2):

Fulgent Genetics
Classification: Uncertain significance for Cornelia de Lange syndrome 1. Last evaluated: 2024-03-07. Review status: criteria provided, single submitter. Criteria: ACMG Guidelines, 2015. Collection method: clinical testing. Allele origin: germline.

Labcorp Genetics (formerly Invitae), Labcorp
Classification: Uncertain significance for Cornelia de Lange syndrome 1. Last evaluated: 2024-03-04. Review status: criteria provided, single submitter. Criteria: Invitae Variant Classification Sherloc (09022015). Collection method: clinical testing. Allele origin: germline.
Comment: This sequence change replaces asparagine, which is neutral and polar, with serine, which is neutral and polar, at codon 2415 of the NIPBL protein (p.Asn2415Ser). This variant is present in population databases (rs766934075, gnomAD 0.003%). This variant has not been reported in the literature in individuals affected with NIPBL-related conditions. Advanced modeling of protein sequence and biophysical properties (such as structural, functional, and spatial information, amino acid conservation, physicochemical variation, residue mobility, and thermodynamic stability) has been performed at Invitae for this missense variant, however the output from this modeling did not meet the statistical confidence thresholds required to predict the impact of this variant on NIPBL protein function. In summary, the available evidence is currently insufficient to determine the role of this variant in disease. Therefore, it has been classified as a Variant of Uncertain Significance.